The following is an entry in ClinVar:

NM_001271.4(CHD2):c.4137+11G>C

Gene: CHD2 (chromodomain helicase DNA binding protein 2; plus strand). Cytogenetic location: 15q26.1.
Variant type: single nucleotide variant.
Coding change: c.4137+11G>C on transcript NM_001271.4 (MANE Select); 11 bases into the intron after coding-DNA position 4137, G replaced by C.
Molecular consequence: intron variant.
Genome position (GRCh38, 1-based): chr15:93,000,651, G>C. VCF-style: chr15-93000651-G-C. GRCh37 (hg19) VCF-style: chr15-93543881-G-C.
Identifiers: ClinVar variation 2731447 (VCV002731447.3), dbSNP rs1035736825, ClinGen allele CA274873859.

ClinVar aggregate classification (germline): Uncertain significance (1 of 4 stars; one submission).

Conditions:
Developmental and epileptic encephalopathy 94 (DEE94). Also called: Epileptic encephalopathy, childhood-onset; CHD2-Related Neurodevelopmental Disorders. Identifiers: Orphanet 1942, Orphanet 2382, MedGen C3809278, MONDO:0014150, OMIM 615369.

Allele frequency attached by ClinVar (database versions not stated): gnomAD 0.00001.
gnomAD v4.1: 1 of 1,604,502 alleles (0.000062%); highest among the groups gnomAD compares: Admixed American, 0.0017%; no homozygotes.

Submission:

Labcorp Genetics (formerly Invitae), Labcorp
Classification: Uncertain significance for Developmental and epileptic encephalopathy 94. Last evaluated: 2023-12-09. Review status: criteria provided, single submitter. Criteria: Invitae Variant Classification Sherloc (09022015). Collection method: clinical testing. Allele origin: germline.
Comment: This sequence change falls in intron 32 of the CHD2 gene. It does not directly change the encoded amino acid sequence of the CHD2 protein. This variant is not present in population databases (gnomAD no frequency). This variant has not been reported in the literature in individuals affected with CHD2-related conditions. Algorithms developed to predict the effect of sequence changes on RNA splicing suggest that this variant may create or strengthen a splice site. In summary, the available evidence is currently insufficient to determine the role of this variant in disease. Therefore, it has been classified as a Variant of Uncertain Significance.